The following is an entry in ClinVar:

NM_000329.3(RPE65):c.215T>C (p.Phe72Ser)

Gene: RPE65 (retinoid isomerohydrolase RPE65; minus strand). Cytogenetic location: 1p31.3.
Variant type: single nucleotide variant.
Coding change: c.215T>C on transcript NM_000329.3 (MANE Select); coding-DNA position 215, T replaced by C.
Protein change: p.Phe72Ser; replaces phenylalanine 72 with serine.
Molecular consequence: missense variant.
Genome position (GRCh38, 1-based): chr1:68,446,740, A>G on the plus strand (T>C on the coding strand, the complement: RPE65 is on the minus strand). VCF-style: chr1-68446740-A-G. GRCh37 (hg19) VCF-style: chr1-68912423-A-G.
Other names: NM_000329.3(RPE65):c.215T>C; p.Phe72Ser; short protein forms F72S.
Identifiers: ClinVar variation 467826 (VCV000467826.13), dbSNP rs1553153597, ClinGen allele CA340748948.

ClinVar aggregate classification (germline): Pathogenic. Review status: reviewed by expert panel (3 of 4 stars). 3 submissions from 3 submitters: Pathogenic (1). 2 of the submissions do not count toward it. Last evaluated 2026-09-22.

Conditions:
RPE65-related disorder. Also called: RPE65-related disorders; RPE65-related condition. Identifiers: MedGen CN239301.
RPE65-related recessive retinopathy. Also called: Recessive RPE65 retinopathy. Identifiers: MedGen CN305526, MONDO:0100368.
Retinitis pigmentosa 20 (RP20). Identifiers: Orphanet 791, MedGen C3151086, MONDO:0013425, OMIM 613794.
Leber congenital amaurosis 2 (LCA2). Also called: Autosomal Recessive RPE65-Related Retinal Degeneration; AMAUROSIS CONGENITA OF LEBER II. Identifiers: Orphanet 65, MedGen C1859844, MONDO:0008765, OMIM 204100. Disease mechanism: loss of function.

Allele frequency attached by ClinVar (database versions not stated): gnomAD exomes 0.00001.
gnomAD v4.1: 18 of 1,614,136 alleles (0.0011%); highest among the groups gnomAD compares: Non-Finnish European, 0.0015%; no homozygotes.

Submissions (3):

ClinGen Leber Congenital Amaurosis/early Onset Retinal Dystrophy Variant Curation Expert Panel, ClinGen
Classification: Pathogenic for RPE65-related recessive retinopathy. Last evaluated: 2026-09-22. Review status: reviewed by expert panel. Criteria: ClinGen LCAeoRD ACMG Specifications RPE65 V1.0.0. Collection method: curation. Allele origin: germline. Inheritance: Autosomal recessive inheritance.
Comment: NM_000329.3(RPE65):c.215T>C (p.Phe72Ser) is a missense variant that replaces phenylalanine with serine at amino acid 72. This variant is present in gnomAD v.4.1.1 at a GrpMax allele frequency of 0.000009530, with 18 alleles / 1180044 total alleles in the non-Finnish European population, which is lower than the ClinGen LCA / eoRD VCEP PM2_Supporting threshold of <0.0002 (PM2_Supporting). This variant has been reported in at least 2 unrelated probands with early-onset severe retinal dystrophy who carry the NM_000329.2:c.130C>T, p.Arg44* variant, confirmed in trans, which was previously classified as pathogenic by the ClinGen LCA/eoRD VCEP. (2.0 points, VCEP member and clinical lab testing results). This variant has also been reported in at least 1 proband and a sibling with early-onset severe retinal dystrophy who are compound heterozygous, phase unknown, with the NM_000329.2:c.617T>C, p.Ile206Thr variant, previously classified as pathogenic by the ClinGen LCA / eoRD VCEP (0.25 points, VCEP member clinical lab testing results), (2.25 total points, PM3_Strong). At least one proband harboring this variant exhibits a phenotype including: absent or severely decreased rod electroretinogram (ERG) responses (0.5 pts), congenital night blindness/nyctalopia (0.5 pts), clinical diagnosis of early onset Rod Cone Dystrophy (0.5 pts), previous retinal dystrophy gene panel testing that did not provide an alternative explanation for visual impairment (2 pts), pigmentary retinopathy with attenuated vessels (0.5 pts), RPE mottling (0.5 pts), symptomatic onset between birth and five years (1 pt), OCT is preserved with respect to vision loss (1 pt), decreased peripheral vision (1 pt), abnormal color vision or evidence of cone involvement on ERG (1 pt), and decreased central visual acuity (1 pt), which together are highly specific for RPE65-related recessive retinopathy (9.5 points in total, unpublished clinical observation, PP4_Moderate). The computational predictor REVEL gives a score of 0.946, which is above the ClinGen LCA/eoRD VCEP threshold of ≥0.774 and predicts a damaging effect on RPE65 function (PP3_Moderate). The splicing impact predictor SpliceAI gives a score of 0.01, which is below the ClinGen LCA / eoRD VCEP recommended threshold of ≥0.2 and does not strongly predict an impact on splicing. In summary, this variant meets the criteria to be classified as Pathogenic for RPE65-related recessive retinopathy based on the ACMG/AMP criteria applied, as specified by the ClinGen LCA/eoRD VCEP: PM2_Supporting, PM3_Strong, PP4_Moderate, PP1, PP3_Moderate. (VCEP specifications version 1.0.0).

Labcorp Genetics (formerly Invitae), Labcorp
Classification: Uncertain significance for Leber congenital amaurosis 2; Retinitis pigmentosa 20. Last evaluated: 2024-08-28. Review status: criteria provided, single submitter. Criteria: Invitae Variant Classification Sherloc (09022015). Collection method: clinical testing. Allele origin: germline. Not counted in ClinVar's aggregate classification.
Comment: This sequence change replaces phenylalanine, which is neutral and non-polar, with serine, which is neutral and polar, at codon 72 of the RPE65 protein (p.Phe72Ser). This variant is not present in population databases (gnomAD no frequency). This missense change has been observed in individual(s) with autosomal recessive inherited retinal dystrophy (internal data). In at least one individual the data is consistent with being in trans (on the opposite chromosome) from a pathogenic variant. ClinVar contains an entry for this variant (Variation ID: 467826). Invitae Evidence Modeling of protein sequence and biophysical properties (such as structural, functional, and spatial information, amino acid conservation, physicochemical variation, residue mobility, and thermodynamic stability) has been performed for this missense variant. However, the output from this modeling did not meet the statistical confidence thresholds required to predict the impact of this variant on RPE65 protein function. In summary, the available evidence is currently insufficient to determine the role of this variant in disease. Therefore, it has been classified as a Variant of Uncertain Significance.

Blueprint Genetics
Classification: Likely pathogenic for RPE65-related disorders. Last evaluated: 2017-05-16. Review status: criteria provided, single submitter. Criteria: ACMG Guidelines, 2015. Collection method: clinical testing. Allele origin: germline. Affected: yes. Observed: 1 variant allele. Not counted in ClinVar's aggregate classification.